The following is an entry in ClinVar:

ClinVar aggregate classification (germline): Uncertain significance (1 of 4 stars; one submission).

Conditions:
AVPR1A-related disorder. Also called: AVPR1A-related condition.

Allele frequency attached by ClinVar (database versions not stated): TOPMed 0.00001.

Submission:

PreventionGenetics, part of Exact Sciences
Classification: Uncertain significance for AVPR1A-related condition. Last evaluated: 2023-05-23. Review status: criteria provided, single submitter. Criteria: ACMG Guidelines, 2015. Collection method: clinical testing. Allele origin: germline.
Comment: The AVPR1A c.727A>T variant is predicted to result in the amino acid substitution p.Ile243Phe. To our knowledge, this variant has not been reported in the literature or in a large population database, indicating this variant is rare. At this time, the clinical significance of this variant is uncertain due to the absence of conclusive functional and genetic evidence.

NM_000706.5(AVPR1A):c.727A>T (p.Ile243Phe)

Gene: AVPR1A (arginine vasopressin receptor 1A; minus strand). Cytogenetic location: 12q14.2.
Variant type: single nucleotide variant.
Coding change: c.727A>T on transcript NM_000706.5 (MANE Select); coding-DNA position 727, A replaced by T.
Protein change: p.Ile243Phe; replaces isoleucine 243 with phenylalanine.
Molecular consequence: missense variant.
Genome position (GRCh38, 1-based): chr12:63,150,110, T>A on the plus strand (A>T on the coding strand, the complement: AVPR1A is on the minus strand). VCF-style: chr12-63150110-T-A. GRCh37 (hg19) VCF-style: chr12-63543890-T-A.
Other names: short protein forms I243F.
Identifiers: ClinVar variation 2633387 (VCV002633387.1), dbSNP rs981495614, ClinGen allele CA238787125.